The following is an entry in ClinVar:

NM_001003699.4(RREB1):c.2765C>G (p.Pro922Arg)

Gene: RREB1 (ras responsive element binding protein 1; plus strand). Cytogenetic location: 6p24.3.
Variant type: single nucleotide variant.
Coding change: c.2765C>G on transcript NM_001003699.4 (MANE Select); coding-DNA position 2765, C replaced by G.
Protein change: p.Pro922Arg; replaces proline 922 with arginine.
Molecular consequence: missense variant.
Genome position (GRCh38, 1-based): chr6:7,230,864, C>G. VCF-style: chr6-7230864-C-G. GRCh37 (hg19) VCF-style: chr6-7231097-C-G.
Other names: c.2765C>G, p.Pro922Arg (NM_001003698.4, NM_001003700.2, NM_001168344.2); short protein forms P922R.
Identifiers: ClinVar variation 2429097 (VCV002429097.4), dbSNP rs1767908859, ClinGen allele CA362642076.
Genomic context (GRCh38, chr6:7,230,864, plus strand): 5'-TCTCGCAGAAGGGCCTGGCCCTGGTCCAAGTGAAGCAGGAAAACATCTCCTTTCTGAGCC[C>G]TTCTTCCCTGGTCCCCTATGACTGCTCCATGGAGCCCATCGACCTGTCCATCCCCAAGAA-3'
Protein context (NP_001003699.1, residues 912-932): VKQENISFLS[Pro922Arg]SSLVPYDCSM

ClinVar aggregate classification (germline): Uncertain significance (1 of 4 stars; one submission).

Allele frequency attached by ClinVar (database versions not stated): gnomAD 0.00001.
gnomAD v4.1: 4 of 1,614,146 alleles (0.00025%); highest among the groups gnomAD compares: Non-Finnish European, 0.00034%; no homozygotes.

Submission:

Greenwood Genetic Center Diagnostic Laboratories, Greenwood Genetic Center
Classification: Uncertain significance. Last evaluated: 2022-11-08. Review status: criteria provided, single submitter. Criteria: ACMG Guidelines, 2015. Collection method: clinical testing. Allele origin: germline. Affected: yes.
Comment: Gene of Uncertain Significance